The following is an entry in ClinVar:

ClinVar aggregate classification (germline): Likely benign. Review status: criteria provided, multiple submitters, no conflicts (2 of 4 stars). 3 submissions from 3 submitters: Likely benign (3). Last evaluated 2023-04-27.

Conditions:
Familial hypercholesterolemia. Also called: Familial hypercholesterolaemia; Familial hypercholesterolemias. Identifiers: MedGen C0020445, MONDO:0005439.
Cardiovascular phenotype. Identifiers: MedGen CN230736.
Hypercholesterolemia, autosomal dominant, 3 (FHCL3). Also called: Familial hypercholesterolemia 3; Familial Hypercholesterolemia, Autosomal Dominant, 3; PCSK9-Related Familial Hypercholesterolemia, Autosomal Dominant. Identifiers: MedGen C1863551, MONDO:0011369, OMIM 603776.

Submissions (3):

All of Us Research Program, National Institutes of Health
Classification: Likely benign for Hypercholesterolemia, autosomal dominant, 3. Last evaluated: 2023-04-27. Review status: criteria provided, single submitter. Criteria: ACMG Guidelines, 2015. Collection method: clinical testing. Allele origin: germline. Inheritance: Autosomal dominant inheritance. Observed: 1 variant allele, 1 heterozygote.
Comment: This study involves interpretation of variants in research participants for the purpose of population health screening. Participant phenotype was not available at the time of variant classification. Additional details can be found in publication PMID: 35346344, PMCID: PMC8962531

Color Diagnostics, LLC DBA Color Health
Classification: Likely benign for Familial hypercholesterolemia. Last evaluated: 2020-05-26. Review status: criteria provided, single submitter. Criteria: ACMG Guidelines, 2015. Collection method: clinical testing. Allele origin: germline.

Ambry Genetics
Classification: Likely benign for Cardiovascular phenotype. Last evaluated: 2019-05-17. Review status: criteria provided, single submitter. Criteria: Ambry Variant Classification Scheme 2023. Collection method: clinical testing. Allele origin: germline.

NM_174936.4(PCSK9):c.405G>A (p.Leu135=)

Gene: PCSK9 (proprotein convertase subtilisin/kexin type 9; plus strand). Cytogenetic location: 1p32.3.
Variant type: single nucleotide variant.
Coding change: c.405G>A on transcript NM_174936.4 (MANE Select); coding-DNA position 405, G replaced by A.
Protein change: p.Leu135=; no amino-acid change (leucine 135 retained).
Molecular consequence: synonymous variant.
Genome position (GRCh38, 1-based): chr1:55,046,528, G>A. VCF-style: chr1-55046528-G-A. GRCh37 (hg19) VCF-style: chr1-55512201-G-A.
Identifiers: ClinVar variation 1171982 (VCV001171982.5), dbSNP rs2100275802, ClinGen allele CA417957597.